The following is an entry in ClinVar:

ClinVar aggregate classification (germline): Uncertain significance (1 of 4 stars; one submission).

Conditions:
Primary ciliary dyskinesia. Also called: Ciliary dyskinesia. Identifiers: Orphanet 244, MedGen C0008780, MONDO:0016575, HP:0012265.

gnomAD v4.1: 1 of 1,613,970 alleles (0.000062%); highest among the groups gnomAD compares: South Asian, 0.0011%; no homozygotes.

Submission:

Labcorp Genetics (formerly Invitae), Labcorp
Classification: Uncertain significance for Primary ciliary dyskinesia. Last evaluated: 2019-09-15. Review status: criteria provided, single submitter. Criteria: Invitae Variant Classification Sherloc (09022015). Collection method: clinical testing. Allele origin: germline.
Comment: This sequence change replaces proline with glutamine at codon 4371 of the DNAH11 protein (p.Pro4371Gln). The proline residue is moderately conserved and there is a moderate physicochemical difference between proline and glutamine. This variant is not present in population databases (ExAC no frequency). In summary, the available evidence is currently insufficient to determine the role of this variant in disease. Therefore, it has been classified as a Variant of Uncertain Significance. Algorithms developed to predict the effect of sequence changes on RNA splicing suggest that this variant may create or strengthen a splice site, but this prediction has not been confirmed by published transcriptional studies. Algorithms developed to predict the effect of missense changes on protein structure and function are either unavailable or do not agree on the potential impact of this missense change (SIFT: "Deleterious"; PolyPhen-2: "Probably Damaging"; Align-GVGD: "Class C0"). This variant has not been reported in the literature in individuals with DNAH11-related conditions.

NM_001277115.2(DNAH11):c.13112C>A (p.Pro4371Gln)

Gene: DNAH11 (dynein axonemal heavy chain 11; plus strand). Cytogenetic location: 7p15.3.
Variant type: single nucleotide variant.
Coding change: c.13112C>A on transcript NM_001277115.2 (MANE Select); coding-DNA position 13112, C replaced by A.
Protein change: p.Pro4371Gln; replaces proline 4371 with glutamine.
Molecular consequence: missense variant.
Genome position (GRCh38, 1-based): chr7:21,899,398, C>A. VCF-style: chr7-21899398-C-A. GRCh37 (hg19) VCF-style: chr7-21939016-C-A.
Other names: short protein forms P4371Q.
Identifiers: ClinVar variation 939466 (VCV000939466.10), dbSNP rs1238638659, ClinGen allele CA366955399.
Genomic context (GRCh38, chr7:21,899,398, plus strand): 5'-TCAATGACCTCCTCCTGCGATGCCGAGAACTCGATACTTGGACACAAGACCTTACCCTTC[C>A]GGCTGTCGTGTGGCTCTCCGGCTTCTTCAACCCTCAGTCCTTCTTAACTGGTAAGGGCTG-3'
Protein context (NP_001264044.1, residues 4361-4381): LDTWTQDLTL[Pro4371Gln]AVVWLSGFFN